The following is an entry in ClinVar:

ClinVar aggregate classification (germline): Likely benign (1 of 4 stars; one submission).

Allele frequency attached by ClinVar (database versions not stated): 1000 Genomes Project 30x 0.00016; TOPMed 0.00076; gnomAD exomes 0.00083; ESP Exome Variant Server 0.00096; ExAC 0.00103; gnomAD 0.00109.
gnomAD v4.1: 1,366 of 1,612,216 alleles (0.085%); highest among the groups gnomAD compares: Non-Finnish European, 0.1%; 3 homozygotes.

Submission:

CeGaT Center for Human Genetics Tuebingen
Classification: Likely benign. Last evaluated: 2025-07-01. Review status: criteria provided, single submitter. Criteria: CeGaT Center For Human Genetics Tuebingen Variant Classification Criteria Version 2. Collection method: clinical testing. Allele origin: germline. Affected: yes. Observed: 2 variant alleles.
Comment: ZNF831: BP4, BP7

NM_178457.3(ZNF831):c.1359C>T (p.His453=)

Gene: ZNF831 (zinc finger protein 831; plus strand). Cytogenetic location: 20q13.32.
Variant type: single nucleotide variant.
Coding change: c.1359C>T on transcript NM_178457.3 (MANE Select); coding-DNA position 1359, C replaced by T.
Protein change: p.His453=; no amino-acid change (histidine 453 retained).
Molecular consequence: synonymous variant.
Genome position (GRCh38, 1-based): chr20:59,192,378, C>T. VCF-style: chr20-59192378-C-T. GRCh37 (hg19) VCF-style: chr20-57767433-C-T.
Other names: c.1359C>T, p.His453= (NM_001384354.1).
Identifiers: ClinVar variation 2652457 (VCV002652457.24), dbSNP rs200610922, ClinGen allele CA9929369.
Genomic context (GRCh38, chr20:59,192,378, plus strand): 5'-GCTGTCCAAACAGGGCAGCATCGACCTGCCCACGCCCTACACCTACAAGGACTCCTTCCA[C>T]TTTGACATCCGCGCGCTGGAGCCAGGCCGTAGGAGGGCCCCGGGCCCCGTGCGCTCCACC-3'
Protein context (NP_848552.1, residues 443-463): PTPYTYKDSF[His453=]FDIRALEPGR